The following is an entry in ClinVar:

NM_000283.4(PDE6B):c.2129+5G>A

Gene: PDE6B (phosphodiesterase 6B; plus strand). Cytogenetic location: 4p16.3.
Variant type: single nucleotide variant.
Coding change: c.2129+5G>A on transcript NM_000283.4 (MANE Select); 5 bases into the intron after coding-DNA position 2129, G replaced by A.
Molecular consequence: intron variant.
Genome position (GRCh38, 1-based): chr4:664,226, G>A. VCF-style: chr4-664226-G-A. GRCh37 (hg19) VCF-style: chr4-658015-G-A.
Other names: c.2129+5G>A (NM_001145291.2); c.1292+5G>A (NM_001379246.1, NM_001379247.1, NM_001145292.2 and 1 more transcripts); c.974+5G>A (NM_001350155.3).
Identifiers: ClinVar variation 2097615 (VCV002097615.5), dbSNP rs934172185, ClinGen allele CA2580071742.

ClinVar aggregate classification (germline): Conflicting classifications of pathogenicity. Review status: criteria provided, conflicting classifications (1 of 4 stars). 2 submissions from 2 submitters: Likely pathogenic (1); Uncertain significance (1). Last evaluated 2026-07-16.

Conditions:
Retinal disorder. Also called: Retinopathies; Retinal Diseases; Retinal disorders; Retinopathy. Identifiers: MedGen C0035309, MONDO:0005283, HP:0000488.

gnomAD v4.1: 15 of 1,546,402 alleles (0.00097%); highest among the groups gnomAD compares: African/African-American, 0.0014%; no homozygotes.

Submissions (2):

Genetics Laboratory, Great Ormond Street Hospital NHS Foundation Trust, North Thames Genomic Laboratory Hub
Classification: Uncertain significance for Retinal disorders. Last evaluated: 2026-07-16. Review status: criteria provided, single submitter. Criteria: ACGS Best Practice Guidelines for Variant Classification in Rare Disease 2024 v1.2. Collection method: clinical testing. Allele origin: germline. Affected: yes.
Comment: PM2_moderate, PP3_supporting, PM3_moderate

Labcorp Genetics (formerly Invitae), Labcorp
Classification: Likely pathogenic. Last evaluated: 2022-04-06. Review status: criteria provided, single submitter. Criteria: Invitae Variant Classification Sherloc (09022015). Collection method: clinical testing. Allele origin: germline.
Comment: In summary, the currently available evidence indicates that the variant is pathogenic, but additional data are needed to prove that conclusively. Therefore, this variant has been classified as Likely Pathogenic. Variants that disrupt the consensus splice site are a relatively common cause of aberrant splicing (PMID: 17576681, 9536098). Algorithms developed to predict the effect of sequence changes on RNA splicing suggest that this variant may disrupt the consensus splice site. This variant has been observed in individual(s) with clinical features of retinitis pigmentosa (Invitae). In at least one individual the data is consistent with being in trans (on the opposite chromosome) from a pathogenic variant. It has also been observed to segregate with disease in related individuals. This variant is not present in population databases (gnomAD no frequency). This sequence change falls in intron 17 of the PDE6B gene. It does not directly change the encoded amino acid sequence of the PDE6B protein. It affects a nucleotide within the consensus splice site.

Literature cited by the submitters: PubMed 17576681 (cited by Labcorp Genetics (formerly Invitae), Labcorp); PubMed 9536098 (cited by Labcorp Genetics (formerly Invitae), Labcorp).